The following is an entry in ClinVar:

ClinVar aggregate classification (germline): Likely pathogenic. Review status: criteria provided, multiple submitters, no conflicts (2 of 4 stars). 2 submissions from 2 submitters: Likely pathogenic (2). Last evaluated 2022-04-04.

Conditions:
Usher syndrome type 1 (USH1). Also called: RETINITIS PIGMENTOSA AND CONGENITAL DEAFNESS. Identifiers: Orphanet 231169, Orphanet 886, MedGen C1568247, MONDO:0010168, OMIM 276900.
MYO7A-related disorder. Also called: MYO7A-related disorders.

Submissions (2):

Myriad Genetics, Inc.
Classification: Likely pathogenic for Usher syndrome type 1. Last evaluated: 2022-04-04. Review status: criteria provided, single submitter. Criteria: Myriad Women's Health Autosomal Recessive and X-Linked Classification Criteria (2021). Collection method: clinical testing. Allele origin: unknown.
Comment: NM_000260.3(MYO7A):c.275_278dupACCT(I94Pfs*47) is expected to be pathogenic in the context of MYO7A-related disorders. This variant is predicted to lead to an abnormal or absent protein product due to the creation of a premature termination codon in MYO7A, a gene where loss-of-function variants are known to be pathogenic. Please note: this variant was assessed in the context of healthy population screening.

Blueprint Genetics
Classification: Likely pathogenic for MYO7A-related disorders. Last evaluated: 2020-02-11. Review status: criteria provided, single submitter. Criteria: ACMG Guidelines, 2015. Collection method: clinical testing. Allele origin: germline. Affected: yes. Observed: 2 variant alleles.

NM_000260.4(MYO7A):c.275_278dup (p.Ile94fs)

Gene: MYO7A (myosin VIIA; plus strand). Cytogenetic location: 11q13.5.
Variant type: Duplication.
Coding change: c.275_278dup on transcript NM_000260.4 (MANE Select); coding-DNA positions 275 to 278, 4 bases duplicated (ACCT; older notation c.275_278dupACCT).
Protein change: p.Ile94fs; shifts the reading frame from isoleucine 94.
Molecular consequence: frameshift variant.
Genome position (GRCh38, 1-based): chr11:77,147,940-77,147,943, ACCT duplicated. VCF-style (leftmost placement, unchanged base first): chr11-77147939-C-CACCT. GRCh37 (hg19) VCF-style: chr11-76858985-C-CACCT.
Other names: c.275_278dup, p.Ile94fs (NM_001127180.2); c.242_245dup, p.Ile83fs (NM_001369365.1); short protein forms I83fs, I94fs.
Identifiers: ClinVar variation 1725858 (VCV001725858.3), dbSNP rs2496578693, ClinGen allele CA2580084914.